The following is an entry in ClinVar:

ClinVar aggregate classification (germline): Uncertain significance (0 of 4 stars; one submission).

Conditions:
ASXL1-related disorder. Also called: ASXL1-related condition; ASXL1-related disorders.

Allele frequency attached by ClinVar (database versions not stated): gnomAD exomes below 0.00001; ExAC 0.00001.
gnomAD v4.1: 2 of 1,608,764 alleles (0.00012%); highest among the groups gnomAD compares: Non-Finnish European, 0.000085%; no homozygotes.

Submission:

PreventionGenetics, part of Exact Sciences
Classification: Uncertain significance for ASXL1-related condition. Last evaluated: 2024-01-09. Review status: no assertion criteria provided. Collection method: clinical testing. Allele origin: germline.
Comment: The ASXL1 c.623G>A variant is predicted to result in the amino acid substitution p.Gly208Asp. To our knowledge, this variant has not been reported in the literature. This variant is reported in one out of ~240,000 alleles in gnomAD (present in “Other” population). At this time, the clinical significance of this variant is uncertain due to the absence of conclusive functional and genetic evidence.

NM_015338.6(ASXL1):c.623G>A (p.Gly208Asp)

Gene: ASXL1 (ASXL transcriptional regulator 1; plus strand). Cytogenetic location: 20q11.21.
Variant type: single nucleotide variant.
Coding change: c.623G>A on transcript NM_015338.6 (MANE Select); coding-DNA position 623, G replaced by A.
Protein change: p.Gly208Asp; replaces glycine 208 with aspartic acid.
Molecular consequence: missense variant. On other transcripts: intron variant (1).
Genome position (GRCh38, 1-based): chr20:32,429,958, G>A. VCF-style: chr20-32429958-G-A. GRCh37 (hg19) VCF-style: chr20-31017761-G-A.
Other names: c.535+527G>A (NM_001363734.1); short protein forms G208D.
Identifiers: ClinVar variation 3029363 (VCV003029363.2), dbSNP rs778390869, ClinGen allele CA9808159.